The following is an entry in ClinVar:

NM_001287491.2(TET3):c.2824G>A (p.Glu942Lys)

Gene: TET3 (tet methylcytosine dioxygenase 3; plus strand). Cytogenetic location: 2p13.1.
Variant type: single nucleotide variant.
Coding change: c.2824G>A on transcript NM_001287491.2 (MANE Select); coding-DNA position 2824, G replaced by A.
Protein change: p.Glu942Lys; replaces glutamic acid 942 with lysine.
Molecular consequence: missense variant.
Genome position (GRCh38, 1-based): chr2:74,087,974, G>A. VCF-style: chr2-74087974-G-A. GRCh37 (hg19) VCF-style: chr2-74315101-G-A.
Other names: c.2545G>A, p.Glu849Lys (NM_001366022.1); short protein forms E849K, E942K.
Identifiers: ClinVar variation 4527644 (VCV004527644.1).

ClinVar aggregate classification (germline): Uncertain significance (1 of 4 stars; one submission).

Submission:

GeneDx
Classification: Uncertain significance. Last evaluated: 2025-04-24. Review status: criteria provided, single submitter. Criteria: GeneDx Variant Classification Process June 2021. Collection method: clinical testing. Allele origin: germline. Affected: yes.
Comment: Not observed at significant frequency in large population cohorts (gnomAD); In silico analysis supports that this missense variant has a deleterious effect on protein structure/function; Has not been previously published as pathogenic or benign to our knowledge